The following is an entry in ClinVar:

NM_000116.5(TAFAZZIN):c.812A>C (p.Gln271Pro)

Gene: TAFAZZIN (tafazzin, phospholipid-lysophospholipid transacylase; plus strand). Cytogenetic location: Xq28.
Variant type: single nucleotide variant.
Coding change: c.812A>C on transcript NM_000116.5 (MANE Select); coding-DNA position 812, A replaced by C.
Protein change: p.Gln271Pro; replaces glutamine 271 with proline.
Molecular consequence: missense variant. On other transcripts: non-coding transcript variant (1).
Genome position (GRCh38, 1-based): chrX:154,420,937, A>C. VCF-style: chrX-154420937-A-C. GRCh37 (hg19) VCF-style: chrX-153649276-A-C.
Other names: c.824A>C, p.Gln275Pro (NM_001303465.2); c.776A>C, p.Gln259Pro (NM_001410698.1); c.722A>C, p.Gln241Pro (NM_181311.4); c.770A>C, p.Gln257Pro (NM_181312.4); c.680A>C, p.Gln227Pro (NM_181313.4); short protein forms Q271P, Q275P, Q227P, Q241P, Q257P, Q259P.
Identifiers: ClinVar variation 1952596 (VCV001952596.5), dbSNP rs2522999144, ClinGen allele CA415185686.

ClinVar aggregate classification (germline): Uncertain significance (1 of 4 stars; one submission).

Conditions:
3-Methylglutaconic aciduria type 2 (BTHS). Also called: CARDIOSKELETAL MYOPATHY WITH NEUTROPENIA AND ABNORMAL MITOCHONDRIA; Barth syndrome. Identifiers: Orphanet 111, MedGen C0574083, MONDO:0010543, OMIM 302060.

Submission:

Labcorp Genetics (formerly Invitae), Labcorp
Classification: Uncertain significance for 3-Methylglutaconic aciduria type 2. Last evaluated: 2022-06-27. Review status: criteria provided, single submitter. Criteria: Invitae Variant Classification Sherloc (09022015). Collection method: clinical testing. Allele origin: germline.
Comment: Algorithms developed to predict the effect of missense changes on protein structure and function are either unavailable or do not agree on the potential impact of this missense change (SIFT: "Not Available"; PolyPhen-2: "Probably Damaging"; Align-GVGD: "Not Available"). This variant has not been reported in the literature in individuals affected with TAZ-related conditions. This variant is not present in population databases (gnomAD no frequency). This sequence change replaces glutamine, which is neutral and polar, with proline, which is neutral and non-polar, at codon 271 of the TAZ protein (p.Gln271Pro). In summary, the available evidence is currently insufficient to determine the role of this variant in disease. Therefore, it has been classified as a Variant of Uncertain Significance.